The following is an entry in ClinVar:

ClinVar aggregate classification (germline): Likely benign (1 of 4 stars; one submission).

Conditions:
GFM1-related disorder. Also called: GFM1-related condition.

gnomAD v4.1: 1 of 1,613,764 alleles (0.000062%); highest among the groups gnomAD compares: Admixed American, 0.0017%; no homozygotes.

Submission:

PreventionGenetics, part of Exact Sciences
Classification: Likely benign for GFM1-related condition. Last evaluated: 2026-06-18. Review status: criteria provided, single submitter. Criteria: ACMG Guidelines, 2015. Collection method: clinical testing. Allele origin: germline.
Comment: This variant is classified as likely benign based on ACMG/AMP sequence variant interpretation guidelines (Richards et al. 2015 PMID: 25741868, with internal and published modifications).

NM_024996.7(GFM1):c.1695T>C (p.Thr565=)

Gene: GFM1 (G elongation factor mitochondrial 1; plus strand). Cytogenetic location: 3q25.32.
Variant type: single nucleotide variant.
Coding change: c.1695T>C on transcript NM_024996.7 (MANE Select); coding-DNA position 1695, T replaced by C.
Protein change: p.Thr565=; no amino-acid change (threonine 565 retained).
Molecular consequence: synonymous variant. On other transcripts: non-coding transcript variant (4).
Genome position (GRCh38, 1-based): chr3:158,682,088, T>C. VCF-style: chr3-158682088-T-C. GRCh37 (hg19) VCF-style: chr3-158399877-T-C.
Other names: c.1752T>C, p.Thr584= (NM_001308164.2); c.1695T>C, p.Thr565= (NM_001308166.2); c.1614T>C, p.Thr538= (NM_001374355.1); c.1578T>C, p.Thr526= (NM_001374356.1); c.1470T>C, p.Thr490= (NM_001374357.1); c.1236T>C, p.Thr412= (NM_001374358.1); c.1128T>C, p.Thr376= (NM_001374359.1, NM_001374360.1); c.1011T>C, p.Thr337= (NM_001374361.1).
Identifiers: ClinVar variation 4988253 (VCV004988253.1).